The following is an entry in ClinVar:

ClinVar aggregate classification (germline): Uncertain significance. Review status: criteria provided, multiple submitters, no conflicts (2 of 4 stars). 2 submissions from 2 submitters: Uncertain significance (2). Last evaluated 2023-12-05.

Conditions:
Hereditary cancer-predisposing syndrome. Also called: Neoplastic Syndromes, Hereditary; Tumor predisposition; Hereditary Cancer Syndrome; Hereditary neoplastic syndrome. Identifiers: Orphanet 140162, MedGen C0027672, MeSH D009386, MONDO:0015356.

Submissions (2):

Color Diagnostics, LLC DBA Color Health
Classification: Uncertain significance for Hereditary cancer-predisposing syndrome. Last evaluated: 2023-12-05. Review status: criteria provided, single submitter. Criteria: ACMG Guidelines, 2015. Collection method: clinical testing. Allele origin: germline.
Comment: This missense variant replaces threonine with alanine at codon 351 of the PALB2 protein. Computational prediction suggests that this variant may not impact protein structure and function (internally defined REVEL score threshold <= 0.5, PMID: 27666373). To our knowledge, functional studies have not been reported for this variant. This variant has not been reported in individuals affected with PALB2-related disorders in the literature. This variant has not been identified in the general population by the Genome Aggregation Database (gnomAD). The available evidence is insufficient to determine the role of this variant in disease conclusively. Therefore, this variant is classified as a Variant of Uncertain Significance.

Ambry Genetics
Classification: Uncertain significance for Hereditary cancer-predisposing syndrome. Last evaluated: 2016-01-10. Review status: criteria provided, single submitter. Criteria: Ambry Variant Classification Scheme 2023. Collection method: clinical testing. Allele origin: germline.
Comment: The p.T351A variant (also known as c.1051A>G), located in coding exon 4 of the PALB2 gene, results from an A to G substitution at nucleotide position 1051. The threonine at codon 351 is replaced by alanine, an amino acid with similar properties. This variant was not reported in population based cohorts in the following databases: Database of Single Nucleotide Polymorphisms (dbSNP), NHLBI Exome Sequencing Project (ESP), and 1000 Genomes Project. In the ESP, this variant was not observed in 6497 samples (12994 alleles) with coverage at this position. To date, this alteration has been detected with an allele frequency of approximately 0.001% (greater than 130000 alleles tested) in our clinical cohort. This amino acid position is not well conserved in available vertebrate species. In addition, this alteration is predicted to be tolerated by in silico analysis. Since supporting evidence is limited at this time, the clinical significance of p.T351A remains unclear.

NM_024675.4(PALB2):c.1051A>G (p.Thr351Ala)

Gene: PALB2 (partner and localizer of BRCA2; minus strand). Cytogenetic location: 16p12.2.
Variant type: single nucleotide variant.
Coding change: c.1051A>G on transcript NM_024675.4 (MANE Select); coding-DNA position 1051, A replaced by G.
Protein change: p.Thr351Ala; replaces threonine 351 with alanine.
Molecular consequence: missense variant.
Genome position (GRCh38, 1-based): chr16:23,635,495, T>C on the plus strand (A>G on the coding strand, the complement: PALB2 is on the minus strand). VCF-style: chr16-23635495-T-C. GRCh37 (hg19) VCF-style: chr16-23646816-T-C.
Other names: short protein forms T351A.
Identifiers: ClinVar variation 482011 (VCV000482011.10), dbSNP rs1555461483, ClinGen allele CA395134143.